The following is an entry in ClinVar:

ClinVar aggregate classification (germline): Conflicting classifications of pathogenicity. Review status: criteria provided, conflicting classifications (1 of 4 stars). 2 submissions from 2 submitters: Uncertain significance (1); Likely benign (1). Last evaluated 2026-04-03.

Conditions:
COL7A1-related disorder. Also called: COL7A1-related condition; COL7A1- related disorders.

Allele frequency attached by ClinVar (database versions not stated): gnomAD exomes 0.00001; gnomAD 0.00002; ExAC 0.00004; TOPMed 0.00005.
gnomAD v4.1: 14 of 1,612,270 alleles (0.00087%); highest among the groups gnomAD compares: East Asian, 0.0067%; no homozygotes.

Submissions (2):

PreventionGenetics, part of Exact Sciences
Classification: Uncertain significance for COL7A1-related condition. Last evaluated: 2026-04-03. Review status: criteria provided, single submitter. Criteria: ACMG Guidelines, 2015. Collection method: clinical testing. Allele origin: germline.
Comment: The COL7A1 c.2632C>T variant is predicted to result in the amino acid substitution p.Arg878Cys. To our knowledge, this variant has not been reported in the literature. This variant is reported in 0.013% of alleles in individuals of African descent in gnomAD. At this time, the clinical significance of this variant is uncertain due to the absence of conclusive functional and genetic evidence.

Labcorp Genetics (formerly Invitae), Labcorp
Classification: Likely benign. Last evaluated: 2025-12-04. Review status: criteria provided, single submitter. Criteria: Invitae Variant Classification Sherloc (09022015). Collection method: clinical testing. Allele origin: germline.

NM_000094.4(COL7A1):c.2632C>T (p.Arg878Cys)

Gene: COL7A1 (collagen type VII alpha 1 chain; minus strand). Cytogenetic location: 3p21.31.
Variant type: single nucleotide variant.
Coding change: c.2632C>T on transcript NM_000094.4 (MANE Select); coding-DNA position 2632, C replaced by T.
Protein change: p.Arg878Cys; replaces arginine 878 with cysteine.
Molecular consequence: missense variant.
Genome position (GRCh38, 1-based): chr3:48,588,360, G>A on the plus strand (C>T on the coding strand, the complement: COL7A1 is on the minus strand). VCF-style: chr3-48588360-G-A. GRCh37 (hg19) VCF-style: chr3-48625793-G-A.
Other names: short protein forms R878C.
Identifiers: ClinVar variation 2720226 (VCV002720226.4), dbSNP rs760318221, ClinGen allele CA2380811.